The following is an entry in ClinVar:

ClinVar aggregate classification (germline): Uncertain significance. Review status: criteria provided, multiple submitters, no conflicts (2 of 4 stars). 6 submissions from 6 submitters: Uncertain significance (6). Last evaluated 2026-07-02.

Conditions:
Central core myopathy (CMYO1A). Also called: Central core disease; Myopathy, central fibrillar; CONGENITAL MYOPATHY 1A, AUTOSOMAL DOMINANT, WITH SUSCEPTIBILITY TO MALIGNANT HYPERTHERMIA. Identifiers: Orphanet 597, MedGen C5830701, MONDO:0007294, OMIM 117000.
Congenital myopathy with fiber type disproportion. Also called: Congenital fiber-type disproportion myopathy; Congenital fiber-type disproportion. Identifiers: Orphanet 2020, MedGen C0546264, MONDO:0009711. Inheritance: all.
Malignant hyperthermia, susceptibility to, 1 (MHS1). Also called: Anesthesia related hyperthermia; Malignant hyperpyrexia; Fulminating hyperpyrexia; Pharmacogenic myopathy; Malignant hyperthermia suceptibility 1; RYR1-Related Malignant Hyperthermia Susceptibility. Identifiers: Orphanet 423, MedGen C2930980, MONDO:0007783, OMIM 145600.
King Denborough syndrome (KDS). Identifiers: MedGen C1840365, MONDO:0020485, OMIM 619542.
Congenital multicore myopathy with external ophthalmoplegia (CMYO1B). Also called: Congenital myopathy 1B, autosomal recessive; Minicore myopathy; MULTICORE MYOPATHY; MULTIMINICORE DISEASE WITH EXTERNAL OPHTHALMOPLEGIA; Minicore myopathy with external ophthalmoplegia. Identifiers: Orphanet 598, Orphanet 98905, MedGen C1850674, MONDO:0009712, OMIM 255320, HP:0003789.
RYR1-related disorder. Also called: RYR1-related condition; RYR1-related disorders. Identifiers: MedGen CN239331.
Inborn genetic diseases. Identifiers: MedGen C0950123, MeSH D030342.

Allele frequency attached by ClinVar (database versions not stated): gnomAD exomes 0.00001; gnomAD 0.00001; ExAC 0.00002; ESP Exome Variant Server 0.00015; TOPMed 0.00003.
gnomAD v4.1: 6 of 1,613,618 alleles (0.00037%); highest among the groups gnomAD compares: African/African-American, 0.004%; no homozygotes.

Submissions (6):

Ambry Genetics
Classification: Uncertain significance for Inborn genetic diseases. Last evaluated: 2026-07-02. Review status: criteria provided, single submitter. Criteria: Ambry Variant Classification Scheme 2023. Collection method: clinical testing. Allele origin: germline.
Comment: The p.P1758L variant (also known as c.5273C>T), located in coding exon 34 of the RYR1 gene, results from a C to T substitution at nucleotide position 5273. The proline at codon 1758 is replaced by leucine, an amino acid with similar properties. This amino acid position is conserved. In addition, this alteration is predicted to be tolerated by in silico analysis. Based on the available evidence, the clinical significance of this variant remains unclear.

All of Us Research Program, National Institutes of Health
Classification: Uncertain significance for Malignant hyperthermia, susceptibility to, 1. Last evaluated: 2024-05-30. Review status: criteria provided, single submitter. Criteria: ACMG Guidelines, 2015. Collection method: clinical testing. Allele origin: germline. Inheritance: Autosomal dominant inheritance. Observed: 2 variant alleles, 2 heterozygotes.
Comment: This missense variant replaces proline with leucine at codon 1758 of the RYR1 protein. Computational prediction suggests that this variant may not impact protein structure and function (internally defined REVEL score threshold <= 0.5, PMID: 27666373). To our knowledge, functional studies have not been reported for this variant. This variant has not been reported in individuals affected with RYR1-related disorders in the literature. This variant has been identified in 3/276506 chromosomes in the general population by the Genome Aggregation Database (gnomAD). The available evidence is insufficient to determine the role of this variant in disease conclusively. Therefore, this variant is classified as a Variant of Uncertain Significance.

This study involves interpretation of variants in research participants for the purpose of population health screening. Participant phenotype was not available at the time of variant classification. Additional details can be found in publication PMID: 35346344, PMCID: PMC8962531

Color Diagnostics, LLC DBA Color Health
Classification: Uncertain significance for Malignant hyperthermia, susceptibility to, 1. Last evaluated: 2024-05-14. Review status: criteria provided, single submitter. Criteria: ACMG Guidelines, 2015. Collection method: clinical testing. Allele origin: germline.
Comment: This missense variant replaces proline with leucine at codon 1758 of the RYR1 protein. Computational prediction suggests that this variant may not impact protein structure and function. To our knowledge, functional studies have not been reported for this variant. This variant has not been reported in individuals affected with RYR1-related disorders in the literature. This variant has been identified in 3/276506 chromosomes in the general population by the Genome Aggregation Database (gnomAD). The available evidence is insufficient to determine the role of this variant in disease conclusively. Therefore, this variant is classified as a Variant of Uncertain Significance.

Labcorp Genetics (formerly Invitae), Labcorp
Classification: Uncertain significance for RYR1-related disorder. Last evaluated: 2023-04-24. Review status: criteria provided, single submitter. Criteria: Invitae Variant Classification Sherloc (09022015). Collection method: clinical testing. Allele origin: germline.
Comment: In summary, the available evidence is currently insufficient to determine the role of this variant in disease. Therefore, it has been classified as a Variant of Uncertain Significance. Advanced modeling of protein sequence and biophysical properties (such as structural, functional, and spatial information, amino acid conservation, physicochemical variation, residue mobility, and thermodynamic stability) performed at Invitae indicates that this missense variant is not expected to disrupt RYR1 protein function. ClinVar contains an entry for this variant (Variation ID: 1001968). This variant has not been reported in the literature in individuals affected with RYR1-related conditions. This variant is present in population databases (rs371317448, gnomAD 0.008%). This sequence change replaces proline, which is neutral and non-polar, with leucine, which is neutral and non-polar, at codon 1758 of the RYR1 protein (p.Pro1758Leu).

GeneDx
Classification: Uncertain significance. Last evaluated: 2023-02-16. Review status: criteria provided, single submitter. Criteria: GeneDx Variant Classification Process June 2021. Collection method: clinical testing. Allele origin: germline. Affected: yes.
Comment: Not observed at significant frequency in large population cohorts (gnomAD); In silico analysis supports that this missense variant does not alter protein structure/function; Has not been previously published as pathogenic or benign to our knowledge

Fulgent Genetics
Classification: Uncertain significance for Central core myopathy; Malignant hyperthermia, susceptibility to, 1; Congenital myopathy 4A, autosomal dominant; Congenital multicore myopathy with external ophthalmoplegia; King Denborough syndrome. Last evaluated: 2021-12-20. Review status: criteria provided, single submitter. Criteria: ACMG Guidelines, 2015. Collection method: clinical testing. Allele origin: unknown.

NM_000540.3(RYR1):c.5273C>T (p.Pro1758Leu)

Gene: RYR1 (ryanodine receptor 1; plus strand). Cytogenetic location: 19q13.2.
Variant type: single nucleotide variant.
Coding change: c.5273C>T on transcript NM_000540.3 (MANE Select); coding-DNA position 5273, C replaced by T.
Protein change: p.Pro1758Leu; replaces proline 1758 with leucine.
Molecular consequence: missense variant.
Genome position (GRCh38, 1-based): chr19:38,485,928, C>T. VCF-style: chr19-38485928-C-T. GRCh37 (hg19) VCF-style: chr19-38976568-C-T.
Other names: c.5273C>T, p.Pro1758Leu (NM_001042723.2); c.5273C>T (NM_000540.2); short protein forms P1758L.
Identifiers: ClinVar variation 1001968 (VCV001001968.14), dbSNP rs371317448, ClinGen allele CA066833.
Genomic context (GRCh38, chr19:38,485,928, plus strand): 5'-CGCCTGAGACCCGCGCCATCACGCTCTTCCCTCCTGGAAGGAGCACAGAAAATGGTCACC[C>T]CCGGCATGGCCTGCCGGGAGTTGGAGTCACCACTTCGCTGAGGCCCCCGCATCATTTCTC-3'
Protein context (NP_000531.2, residues 1748-1768): PPGRSTENGH[Pro1758Leu]RHGLPGVGVT